The following is an entry in ClinVar:

ClinVar aggregate classification (germline): Pathogenic (1 of 4 stars; one submission).

Submission:

Labcorp Genetics (formerly Invitae), Labcorp
Classification: Pathogenic. Last evaluated: 2022-02-05. Review status: criteria provided, single submitter. Criteria: Invitae Variant Classification Sherloc (09022015). Collection method: clinical testing. Allele origin: unknown.
Comment: For these reasons, this variant has been classified as Pathogenic. The region of the USH2A gene that includes exon(s) 65-72 has been determined to be clinically significant (Invitae). Therefore, deletions that encompass that region are likely to be disease-causing. This variant has not been reported in the literature in individuals affected with USH2A-related conditions. This sequence change is a complex rearrangement of the USH2A gene. It does not change the copy number and likely represents an inversion which encompasses exon 41-72. This is expected to alter mRNA translation or result in a truncated protein product.

NC_000001.10:g.(?_190829412)_(216061974_?)del

Genes: KCNK2 (potassium two pore domain channel subfamily K member 2; plus strand), KCNT2 (potassium sodium-activated channel subfamily T member 2; minus strand), KIF14 (kinesin family member 14; minus strand), LEMD1 (LEM domain containing 1; minus strand), LGR6 (leucine rich repeat containing G protein-coupled receptor 6; plus strand) and 182 more. Cytogenetic location: 1q31.2-41.
Variant type: Deletion.
Identifiers: ClinVar variation 3248093 (VCV003248093.1).